The following is an entry in ClinVar:

NM_005144.5(HR):c.1517A>G (p.Glu506Gly)

Gene: HR (HR lysine demethylase and nuclear receptor corepressor; minus strand). Cytogenetic location: 8p21.3.
Variant type: single nucleotide variant.
Coding change: c.1517A>G on transcript NM_005144.5 (MANE Select); coding-DNA position 1517, A replaced by G.
Protein change: p.Glu506Gly; replaces glutamic acid 506 with glycine.
Molecular consequence: missense variant.
Genome position (GRCh38, 1-based): chr8:22,125,621, T>C on the plus strand (A>G on the coding strand, the complement: HR is on the minus strand). VCF-style: chr8-22125621-T-C. GRCh37 (hg19) VCF-style: chr8-21983134-T-C.
Other names: c.1517A>G, p.Glu506Gly (NM_018411.4); short protein forms E506G.
Identifiers: ClinVar variation 362514 (VCV000362514.34), dbSNP rs112016555, ClinGen allele CA4662443.

ClinVar aggregate classification (germline): Benign/Likely benign. Review status: criteria provided, multiple submitters, no conflicts (2 of 4 stars). 5 submissions from 4 submitters: Benign (1); Likely benign (4). Last evaluated 2026-01-19.

Conditions:
Atrichia with papular lesions (APL). Also called: PAPULAR ATRICHIA. Identifiers: Orphanet 86819, MedGen C1859592, MONDO:0008847, OMIM 209500.
Alopecia universalis congenita (ALUNC). Also called: ATRICHIA, GENERALIZED. Identifiers: Orphanet 701, MedGen C1859877, MONDO:0008757, OMIM 203655.

Allele frequency attached by ClinVar (database versions not stated): gnomAD exomes 0.00167 and 0.00315; ESP Exome Variant Server 0.00192; TOPMed 0.00202; gnomAD 0.00203 and 0.00226; ExAC 0.00318; 1000 Genomes Project 30x 0.00328; 1000 Genomes Project 0.00519.
gnomAD v4.1: 2,892 of 1,608,304 alleles (0.18%); highest among the groups gnomAD compares: Middle Eastern, 0.99%; 35 homozygotes.

Submissions (5):

Labcorp Genetics (formerly Invitae), Labcorp
Classification: Benign. Last evaluated: 2026-01-19. Review status: criteria provided, single submitter. Criteria: Invitae Variant Classification Sherloc (09022015). Collection method: clinical testing. Allele origin: germline.

CeGaT Center for Human Genetics Tuebingen
Classification: Likely benign. Last evaluated: 2023-01-01. Review status: criteria provided, single submitter. Criteria: CeGaT Center For Human Genetics Tuebingen Variant Classification Criteria Version 2. Collection method: clinical testing. Allele origin: germline. Affected: yes. Observed: 1 variant allele.
Comment: HR: BP4, BS2

Illumina Laboratory Services, Illumina
Classification: Likely benign for Atrichia with papular lesions. Last evaluated: 2018-01-12. Review status: criteria provided, single submitter. Criteria: ICSL Variant Classification Criteria 13 December 2019. Collection method: clinical testing. Allele origin: germline.
Comment: This variant was observed in the ICSL laboratory as part of a predisposition screen in an ostensibly healthy population. It had not been previously curated by ICSL or reported in the Human Gene Mutation Database (HGMD: prior to June 1st, 2018), and was therefore a candidate for classification through an automated scoring system. Utilizing variant allele frequency, disease prevalence and penetrance estimates, and inheritance mode, an automated score was calculated to assess if this variant is too frequent to cause the disease. Based on the score and internal cut-off values, a variant classified as likely benign is not then subjected to further curation. The score for this variant resulted in a classification of likely benign for this disease.

Illumina Laboratory Services, Illumina
Classification: Likely benign for Alopecia universalis congenita. Last evaluated: 2018-01-12. Review status: criteria provided, single submitter. Criteria: ICSL Variant Classification Criteria 13 December 2019. Collection method: clinical testing. Allele origin: germline.
Comment: the same text as in the submission from Illumina Laboratory Services, Illumina above.

Breakthrough Genomics
Classification: Likely benign. Review status: criteria provided, single submitter. Criteria: ACMG Guidelines, 2015. Collection method: not provided. Allele origin: germline. Inheritance: Autosomal recessive inheritance. Affected: yes.